The following is an entry in ClinVar:

NM_003924.4(PHOX2B):c.524A>G (p.Lys175Arg)

Gene: PHOX2B (paired like homeobox 2B; minus strand). Cytogenetic location: 4p13.
Variant type: single nucleotide variant.
Coding change: c.524A>G on transcript NM_003924.4 (MANE Select); coding-DNA position 524, A replaced by G.
Protein change: p.Lys175Arg; replaces lysine 175 with arginine.
Molecular consequence: missense variant.
Genome position (GRCh38, 1-based): chr4:41,746,228, T>C on the plus strand (A>G on the coding strand, the complement: PHOX2B is on the minus strand). VCF-style: chr4-41746228-T-C. GRCh37 (hg19) VCF-style: chr4-41748245-T-C.
Other names: short protein forms K175R.
Identifiers: ClinVar variation 952980 (VCV000952980.13), dbSNP rs1060501119, ClinGen allele CA356738355.
Genomic context (GRCh38, chr4:41,746,228, plus strand): 5'-GTGCTGTCCGGGTCAGTGCTCTTGGCCTCTTTGCTCTCGTCGTCCCTGGAAGAGTCAGAC[T>C]TTTTGCCCGAGGAGCCGTTCTTGGCCGCGGCCGCTGCGGCTGCCGCTGCGCGCTCCTGCT-3'
Protein context (NP_003915.2, residues 165-185): AAAKNGSSGK[Lys175Arg]SDSSRDDESK

ClinVar aggregate classification (germline): Uncertain significance. Review status: criteria provided, multiple submitters, no conflicts (2 of 4 stars). 2 submissions from 2 submitters: Uncertain significance (2). Last evaluated 2025-09-16.

Conditions:
Hereditary cancer-predisposing syndrome. Also called: Tumor predisposition; Hereditary neoplastic syndrome; Neoplastic Syndromes, Hereditary; Hereditary Cancer Syndrome. Identifiers: Orphanet 140162, MedGen C0027672, MeSH D009386, MONDO:0015356.
Haddad syndrome (OHD). Also called: Ondine-Hirschsprung disease. Identifiers: Orphanet 99803, MedGen C1859049, MONDO:0020493.

Submissions (2):

Ambry Genetics
Classification: Uncertain significance for Hereditary cancer-predisposing syndrome. Last evaluated: 2025-09-16. Review status: criteria provided, single submitter. Criteria: Ambry Variant Classification Scheme 2023. Collection method: clinical testing. Allele origin: germline.
Comment: The p.K175R variant (also known as c.524A>G), located in coding exon 3 of the PHOX2B gene, results from an A to G substitution at nucleotide position 524. The lysine at codon 175 is replaced by arginine, an amino acid with highly similar properties. This amino acid position is conserved. In addition, this alteration is predicted to be tolerated by in silico analysis. Based on the available evidence, the clinical significance of this variant remains unclear.

Labcorp Genetics (formerly Invitae), Labcorp
Classification: Uncertain significance for Haddad syndrome. Last evaluated: 2019-07-03. Review status: criteria provided, single submitter. Criteria: Invitae Variant Classification Sherloc (09022015). Collection method: clinical testing. Allele origin: germline.
Comment: This sequence change replaces lysine with arginine at codon 175 of the PHOX2B protein (p.Lys175Arg). The lysine residue is highly conserved and there is a small physicochemical difference between lysine and arginine. In summary, the available evidence is currently insufficient to determine the role of this variant in disease. Therefore, it has been classified as a Variant of Uncertain Significance. Algorithms developed to predict the effect of missense changes on protein structure and function are either unavailable or do not agree on the potential impact of this missense change (SIFT: "Deleterious"; PolyPhen-2: "Not Available"; Align-GVGD: "Class C25"). This variant has not been reported in the literature in individuals with PHOX2B-related conditions. This variant is not present in population databases (ExAC no frequency).